The following is an entry in ClinVar:

ClinVar aggregate classification (germline): Benign/Likely benign. Review status: criteria provided, multiple submitters, no conflicts (2 of 4 stars). 4 submissions from 4 submitters: Benign (1); Likely benign (3). Last evaluated 2026-02-01.

Allele frequency attached by ClinVar (database versions not stated): 1000 Genomes Project 0.00180; 1000 Genomes Project 30x 0.00312; ExAC 0.00372; TOPMed 0.00495; gnomAD 0.00932.
gnomAD v4.1: 11,191 of 1,479,436 alleles (0.76%); highest among the groups gnomAD compares: Non-Finnish European, 0.84%; 44 homozygotes.

Submissions (4):

Labcorp Genetics (formerly Invitae), Labcorp
Classification: Benign. Last evaluated: 2026-02-01. Review status: criteria provided, single submitter. Criteria: Invitae Variant Classification Sherloc (09022015). Collection method: clinical testing. Allele origin: germline.

CeGaT Center for Human Genetics Tuebingen
Classification: Likely benign. Last evaluated: 2024-07-01. Review status: criteria provided, single submitter. Criteria: CeGaT Center For Human Genetics Tuebingen Variant Classification Criteria Version 2. Collection method: clinical testing. Allele origin: germline. Affected: yes. Observed: 2 variant alleles.
Comment: ADAMTS18: BS2

Center for Pediatric Genomic Medicine, Children's Mercy Hospital and Clinics
Classification: Likely benign. Last evaluated: 2016-11-03. Review status: criteria provided, single submitter. Criteria: ACMG Guidelines, 2015. Collection method: clinical testing. Allele origin: germline.
ClinVar note: Converted during submission from Likely Benign to Likely benign.

Breakthrough Genomics
Classification: Likely benign. Review status: criteria provided, single submitter. Criteria: ACMG Guidelines, 2015. Collection method: not provided. Allele origin: germline. Inheritance: Autosomal recessive inheritance. Affected: yes.

NM_199355.4(ADAMTS18):c.35C>G (p.Pro12Arg)

Gene: ADAMTS18 (ADAM metallopeptidase with thrombospondin type 1 motif 18; minus strand). Cytogenetic location: 16q23.1.
Variant type: single nucleotide variant.
Coding change: c.35C>G on transcript NM_199355.4 (MANE Select); coding-DNA position 35, C replaced by G.
Protein change: p.Pro12Arg; replaces proline 12 with arginine.
Molecular consequence: missense variant. On other transcripts: 5 prime UTR variant (1).
Genome position (GRCh38, 1-based): chr16:77,434,661, G>C on the plus strand (C>G on the coding strand, the complement: ADAMTS18 is on the minus strand). VCF-style: chr16-77434661-G-C. GRCh37 (hg19) VCF-style: chr16-77468558-G-C.
Other names: c.-486C>G (NM_001326358.2); short protein forms P12R.
Identifiers: ClinVar variation 377324 (VCV000377324.36), dbSNP rs200952997, ClinGen allele CA8181806.
Genomic context (GRCh38, chr16:77,434,661, plus strand): 5'-CCTGCCTTGGCCACGCGCCCCAGTCCCGCCAGGCCCCTCGGCGGGCCCGAACCCGCAGCC[G>C]GGAAGGCACACGCGAGCAGGAGGGCGCACTCCATGGTCAGGTGCGGACGCGGCGGCTGCG-3'
Protein context (NP_955387.1, residues 2-22): ECALLLACAF[Pro12Arg]AAGSGPPRGL